The following is an entry in ClinVar:

ClinVar aggregate classification (germline): Uncertain significance. Review status: criteria provided, multiple submitters, no conflicts (2 of 4 stars). 3 submissions from 3 submitters: Uncertain significance (3). Last evaluated 2022-03-15.

Conditions:
Luscan-Lumish syndrome. Identifiers: Orphanet 597738, MedGen C4085873, MONDO:0014791, OMIM 616831.

Submissions (3):

Genome-Nilou Lab
Classification: Uncertain significance for Luscan-Lumish syndrome. Last evaluated: 2022-03-15. Review status: criteria provided, single submitter. Criteria: ACMG Guidelines, 2015. Collection method: clinical testing. Allele origin: germline. Affected: no.

GeneDx
Classification: Uncertain significance. Last evaluated: 2019-04-04. Review status: criteria provided, single submitter. Criteria: GeneDx Variant Classification Process June 2021. Collection method: clinical testing. Allele origin: germline. Affected: yes.
Comment: Not observed in large population cohorts (Lek et al., 2016); In silico analysis, which includes protein predictors and evolutionary conservation, supports that this variant does not alter protein structure/function; Has not been previously published as pathogenic or benign to our knowledge

Labcorp Genetics (formerly Invitae), Labcorp
Classification: Uncertain significance for Luscan-Lumish syndrome. Last evaluated: 2017-03-08. Review status: criteria provided, single submitter. Criteria: Invitae Variant Classification Sherloc (09022015). Collection method: clinical testing. Allele origin: germline.
Comment: This sequence change replaces leucine with phenylalanine at codon 2081 of the SETD2 protein (p.Leu2081Phe). The leucine residue is moderately conserved and there is a small physicochemical difference between leucine and phenylalanine. This variant is not present in population databases (ExAC no frequency) and has not been reported in the literature in individuals with a SETD2-related disease. Algorithms developed to predict the effect of missense changes on protein structure and function do not agree on the potential impact of this missense change (SIFT: "Tolerated"; PolyPhen-2: "Possibly Damaging"; Align-GVGD: "Class C0"). In summary, this variant is a novel missense change with uncertain impact on protein function. It has been classified as a Variant of Uncertain Significance.

NM_014159.7(SETD2):c.6241C>T (p.Leu2081Phe)

Gene: SETD2 (SET domain containing 2, histone lysine methyltransferase; minus strand). Cytogenetic location: 3p21.31.
Variant type: single nucleotide variant.
Coding change: c.6241C>T on transcript NM_014159.7 (MANE Select); coding-DNA position 6241, C replaced by T.
Protein change: p.Leu2081Phe; replaces leucine 2081 with phenylalanine.
Molecular consequence: missense variant. On other transcripts: non-coding transcript variant (1).
Genome position (GRCh38, 1-based): chr3:47,062,215, G>A on the plus strand (C>T on the coding strand, the complement: SETD2 is on the minus strand). VCF-style: chr3-47062215-G-A. GRCh37 (hg19) VCF-style: chr3-47103705-G-A.
Other names: c.6109C>T, p.Leu2037Phe (NM_001349370.3); short protein forms L2081F, L2037F.
Identifiers: ClinVar variation 475531 (VCV000475531.8), dbSNP rs1553685117, ClinGen allele CA352524366.
Genomic context (GRCh38, chr3:47,062,215, plus strand): 5'-CCACTTACCTGTCATCTGGCCTTTTTGTTCCCCGCTCATAGGCAGAAGAGGGTGGTGAGA[G>A]GGAGCTTCTTCGTTTCCTTTTCTCTTTATTTTGAGTTTGCTTGTCTGGGTCTCTCTCTCT-3'
Protein context (NP_054878.5, residues 2071-2091): NKEKRKRRSS[Leu2081Phe]SPPSSAYERG